The following is an entry in ClinVar:

ClinVar aggregate classification (germline): Uncertain significance. Review status: criteria provided, multiple submitters, no conflicts (2 of 4 stars). 2 submissions from 2 submitters: Uncertain significance (2). Last evaluated 2024-05-30.

Conditions:
Vitamin D hydroxylation-deficient rickets, type 1B. Also called: Rickets due to Defect in Vitamin D 25-hydroxylation; PSEUDOVITAMIN D3 DEFICIENCY RICKETS DUE TO 25-HYDROXYLASE DEFICIENCY; VITAMIN D-DEPENDENT RICKETS, TYPE 1B. Identifiers: Orphanet 289157, MedGen C1838657, MONDO:0010810, OMIM 600081.

Allele frequency attached by ClinVar (database versions not stated): gnomAD exomes 0.00009; gnomAD 0.00004; TOPMed 0.00003; ExAC 0.00009.
gnomAD v4.1: 139 of 1,613,340 alleles (0.0086%); highest among the groups gnomAD compares: Admixed American, 0.035%; no homozygotes.

Submissions (2):

Fulgent Genetics
Classification: Uncertain significance for Vitamin D hydroxylation-deficient rickets, type 1B. Last evaluated: 2024-05-30. Review status: criteria provided, single submitter. Criteria: ACMG Guidelines, 2015. Collection method: clinical testing. Allele origin: germline.

Labcorp Genetics (formerly Invitae), Labcorp
Classification: Uncertain significance. Last evaluated: 2022-04-24. Review status: criteria provided, single submitter. Criteria: Invitae Variant Classification Sherloc (09022015). Collection method: clinical testing. Allele origin: germline.
Comment: This sequence change replaces alanine, which is neutral and non-polar, with threonine, which is neutral and polar, at codon 221 of the CYP2R1 protein (p.Ala221Thr). This variant is present in population databases (rs143448859, gnomAD 0.04%). This variant has not been reported in the literature in individuals affected with CYP2R1-related conditions. Algorithms developed to predict the effect of missense changes on protein structure and function (SIFT, PolyPhen-2, Align-GVGD) all suggest that this variant is likely to be disruptive. In summary, the available evidence is currently insufficient to determine the role of this variant in disease. Therefore, it has been classified as a Variant of Uncertain Significance.

NM_024514.5(CYP2R1):c.661G>A (p.Ala221Thr)

Genes: CYP2R1 (cytochrome P450 family 2 subfamily R member 1; minus strand), PDE3B (phosphodiesterase 3B; plus strand). Cytogenetic location: 11p15.2.
Variant type: single nucleotide variant.
Coding change: c.661G>A on transcript NM_024514.5 (MANE Select); coding-DNA position 661, G replaced by A.
Protein change: p.Ala221Thr; replaces alanine 221 with threonine.
Molecular consequence: missense variant. On other transcripts: non-coding transcript variant (6), intron variant (5).
Genome position (GRCh38, 1-based): chr11:14,880,475, C>T on the plus strand (G>A on the coding strand, the complement: CYP2R1 is on the minus strand). VCF-style: chr11-14880475-C-T. GRCh37 (hg19) VCF-style: chr11-14902021-C-T.
Other names: c.316G>A, p.Ala106Thr (NM_001377214.1, NM_001377215.1, NM_001377216.1 and 5 more transcripts); c.499G>A, p.Ala167Thr (NM_001377217.1); c.517G>A, p.Ala173Thr (NM_001400567.1); c.616G>A, p.Ala206Thr (NM_001400568.1); c.23-1032G>A (NM_001400566.1); c.78-116G>A (NM_001400562.1, NM_001400564.1, NM_001400565.1 and 1 more transcripts); short protein forms A173T, A167T, A106T, A206T, A221T.
Identifiers: ClinVar variation 2067369 (VCV002067369.2), dbSNP rs143448859, ClinGen allele CA5896647.
Genomic context (GRCh38, chr11:14,880,475, plus strand): 5'-CAAAAGGCAGGATGCCAATCCATGGAAAGGCATTATACAAGAAGACTGAGGCACTGGCAG[C>T]TAGTTCCACATTTTCACTAAATAACTCAATCATGTGCTGAAAATCGGTGTCTTCATAAGT-3'
Protein context (NP_078790.2, residues 211-231): IELFSENVEL[Ala221Thr]ASASVFLYNA